The following is an entry in ClinVar:

NM_001009925.2(TMEM230):c.20A>G (p.Asn7Ser)

Gene: TMEM230 (transmembrane protein 230; minus strand). Cytogenetic location: 20p12.3.
Variant type: single nucleotide variant.
Coding change: c.20A>G on transcript NM_001009925.2 (MANE Select); coding-DNA position 20, A replaced by G.
Protein change: p.Asn7Ser; replaces asparagine 7 with serine.
Molecular consequence: missense variant.
Genome position (GRCh38, 1-based): chr20:5,109,411, T>C on the plus strand (A>G on the coding strand, the complement: TMEM230 is on the minus strand). VCF-style: chr20-5109411-T-C. GRCh37 (hg19) VCF-style: chr20-5090057-T-C.
Other names: c.20A>G, p.Asn7Ser (NM_001009924.2, NM_001330984.2, NM_001330985.2 and 4 more transcripts); short protein forms N7S.
Identifiers: ClinVar variation 3648313 (VCV003648313.2).
Genomic context (GRCh38, chr20:5,109,411, plus strand): 5'-TCGTCTGTGCTGGAGAGCCTTGAATATTTCACTTTACTACTGGGGATTCCAGTAGCCAGG[T>C]TGGTACGGGACGGCATCATAACACGCTGACACAGCTACAGTTTAAAAACAAAAAACCCGT-3'
Protein context (NP_001009925.1, residues 1-17): MMPSRT[Asn7Ser]LATGIPSSKV

ClinVar aggregate classification (germline): Uncertain significance (1 of 4 stars; one submission).

gnomAD v4.1: 113 of 1,613,768 alleles (0.007%); highest among the groups gnomAD compares: Non-Finnish European, 0.0089%; no homozygotes.

Submission:

Labcorp Genetics (formerly Invitae), Labcorp
Classification: Uncertain significance. Last evaluated: 2024-10-27. Review status: criteria provided, single submitter. Criteria: Invitae Variant Classification Sherloc (09022015). Collection method: clinical testing. Allele origin: germline.
Comment: This sequence change replaces asparagine, which is neutral and polar, with serine, which is neutral and polar, at codon 70 of the TMEM230 protein (p.Asn70Ser). This variant is present in population databases (rs776037148, gnomAD 0.008%). This missense change has been observed in individual(s) with Parkinson disease (PMID: 29771939). An algorithm developed to predict the effect of missense changes on protein structure and function (PolyPhen-2) suggests that this variant is likely to be tolerated. In summary, the available evidence is currently insufficient to determine the role of this variant in disease. Therefore, it has been classified as a Variant of Uncertain Significance.

Literature cited by the submitters: PubMed 29771939.